The following is an entry in ClinVar:

ClinVar aggregate classification (germline): Uncertain significance (1 of 4 stars; one submission).

Allele frequency attached by ClinVar (database versions not stated): ExAC 0.00001; gnomAD 0.00001; TOPMed 0.00003.
gnomAD v4.1: 11 of 1,613,998 alleles (0.00068%); highest among the groups gnomAD compares: South Asian, 0.0044%; no homozygotes.

Submission:

Labcorp Genetics (formerly Invitae), Labcorp
Classification: Uncertain significance. Last evaluated: 2022-01-28. Review status: criteria provided, single submitter. Criteria: Invitae Variant Classification Sherloc (09022015). Collection method: clinical testing. Allele origin: germline.
Comment: This sequence change replaces valine, which is neutral and non-polar, with isoleucine, which is neutral and non-polar, at codon 284 of the ADAMTS10 protein (p.Val284Ile). This variant is present in population databases (rs782526067, gnomAD 0.003%). This variant has not been reported in the literature in individuals affected with ADAMTS10-related conditions. Algorithms developed to predict the effect of missense changes on protein structure and function output the following: SIFT: "Deleterious"; PolyPhen-2: "Benign"; Align-GVGD: "Class C25". The isoleucine amino acid residue is found in multiple mammalian species, which suggests that this missense change does not adversely affect protein function. In summary, the available evidence is currently insufficient to determine the role of this variant in disease. Therefore, it has been classified as a Variant of Uncertain Significance.

NM_030957.4(ADAMTS10):c.850G>A (p.Val284Ile)

Gene: ADAMTS10 (ADAM metallopeptidase with thrombospondin type 1 motif 10; minus strand). Cytogenetic location: 19p13.2.
Variant type: single nucleotide variant.
Coding change: c.850G>A on transcript NM_030957.4 (MANE Select); coding-DNA position 850, G replaced by A.
Protein change: p.Val284Ile; replaces valine 284 with isoleucine.
Molecular consequence: missense variant.
Genome position (GRCh38, 1-based): chr19:8,597,278, C>T on the plus strand (G>A on the coding strand, the complement: ADAMTS10 is on the minus strand). VCF-style: chr19-8597278-C-T. GRCh37 (hg19) VCF-style: chr19-8662162-C-T.
Other names: short protein forms V284I.
Identifiers: ClinVar variation 2192106 (VCV002192106.1), dbSNP rs782526067, ClinGen allele CA9160716.